The following is an entry in ClinVar:

NM_000289.6(PFKM):c.1881-1G>A

Gene: PFKM (phosphofructokinase, muscle; plus strand). Cytogenetic location: 12q13.11.
Variant type: single nucleotide variant.
Coding change: c.1881-1G>A on transcript NM_000289.6 (MANE Select); the canonical splice acceptor site of the intron before coding-DNA position 1881, G replaced by A.
Molecular consequence: splice acceptor variant.
Genome position (GRCh38, 1-based): chr12:48,144,045, G>A. VCF-style: chr12-48144045-G-A. GRCh37 (hg19) VCF-style: chr12-48537828-G-A.
Other names: c.1905-1G>A (NM_001354741.2); c.1881-1G>A (NM_001354742.2, NM_001354743.2, NM_001354744.2 and 2 more transcripts); c.1731-1G>A (NM_001354747.2, NM_001354748.2); c.2094-1G>A (NM_001166686.2, NM_001354737.1, NM_001354739.1 and 1 more transcripts); c.2001-1G>A (NM_001439058.1); c.2190-1G>A (NM_001354736.1, NM_001354735.1); c.2025-1G>A (NM_001354740.1); c.1794-1G>A (NM_001354745.2); and 2 more.
Identifiers: ClinVar variation 4818135 (VCV004818135.1).

ClinVar aggregate classification (germline): Likely pathogenic (1 of 4 stars; one submission).

Conditions:
Glycogen storage disease, type VII (GSD7). Also called: MUSCLE PHOSPHOFRUCTOKINASE DEFICIENCY; PFKM DEFICIENCY; TARUI DISEASE; GSD VII. Identifiers: Orphanet 371, MedGen C0017926, MONDO:0009295, OMIM 232800.

Submission:

Natera, Inc.
Classification: Likely pathogenic for Glycogen storage disease type VII. Last evaluated: 2024-02-29. Review status: criteria provided, single submitter. Criteria: Natera Variant Classification Schema (03/2026). Collection method: clinical testing. Allele origin: germline.
Comment: The c.1881-1G>A variant in PFKM is a canonical splice acceptor site variant predicted to affect pre-mRNA splicing, which may result in an abnormal transcript and altered protein product. This variant is expected to result in nonsense mediated decay, truncation, or a dysfunctional protein product. This variant is rare in the general population with a frequency below the threshold expected for the associated phenotype(s). Given the available evidence, this variant is classified as Likely Pathogenic.